The following is an entry in ClinVar:

ClinVar aggregate classification (germline): Pathogenic (1 of 4 stars; one submission).

Submission:

Labcorp Genetics (formerly Invitae), Labcorp
Classification: Pathogenic. Last evaluated: 2023-07-14. Review status: criteria provided, single submitter. Criteria: Invitae Variant Classification Sherloc (09022015). Collection method: clinical testing. Allele origin: unknown.
Comment: For these reasons, this variant has been classified as Pathogenic. This variant has not been reported in the literature in individuals affected with ITGB4-related conditions. A gross deletion of the genomic region encompassing the full coding sequence of the ITGB4 gene has been identified. Loss-of-function variants in ITGB4 are known to be pathogenic (PMID: 11328943, 16473856). The boundaries of this event are unknown as they extend beyond the assayed region for this gene and therefore may encompass additional genes.

Literature cited by the submitters: PubMed 11328943; PubMed 16473856.

NC_000017.10:g.(?_73720784)_(73761217_?)del

Genes: GALK1 (galactokinase 1; minus strand), ITGB4 (integrin subunit beta 4; plus strand). Cytogenetic location: 17q25.1.
Variant type: Deletion.
Identifiers: ClinVar variation 3243128 (VCV003243128.1).